The following is an entry in ClinVar:

NM_004260.4(RECQL4):c.1356_1357del (p.Tyr454fs)

Gene: RECQL4 (RecQ like helicase 4; minus strand). Cytogenetic location: 8q24.3.
Variant type: Deletion.
Coding change: c.1356_1357del on transcript NM_004260.4 (MANE Select); coding-DNA positions 1356 to 1357, 2 bases deleted (AC; older notation c.1356_1357delAC).
Protein change: p.Tyr454fs; shifts the reading frame from tyrosine 454.
Molecular consequence: frameshift variant.
Genome position (GRCh38, 1-based): chr8:144,515,359-144,515,360, GT deleted on the plus strand (AC on the coding strand, the reverse complement: RECQL4 is on the minus strand); deleting any 2 consecutive bases within chr8:144,515,359-144,515,361 gives the same sequence; the c. name uses the placement nearest the transcript's 3' end. VCF-style (leftmost placement, unchanged base first): chr8-144515358-AGT-A. GRCh37 (hg19) VCF-style: chr8-145740742-AGT-A.
Other names: short protein forms Y454fs.
Identifiers: ClinVar variation 1430070 (VCV001430070.6), dbSNP rs2130707964, ClinGen allele CA2573142923.
Genomic context (GRCh38, chr8:144,515,358, plus strand): 5'-GGCTCTGGGCCAGAAGCTGACTGCTCACCTGCCAACTGCCCTGAGGGCCCCAGGGAGTAG[AGT>A]GGCAGCACGGTGGGGTCCAGGCTGGGCACCTCAGGTACAGGTTGTGGTGAAGGAACCAGT-3'

ClinVar aggregate classification (germline): Pathogenic (1 of 4 stars; one submission).

Conditions:
Baller-Gerold syndrome (BGS). Also called: CRANIOSYNOSTOSIS WITH RADIAL DEFECTS. Identifiers: Orphanet 1225, MedGen C0265308, MONDO:0009039, OMIM 218600.

Submission:

Labcorp Genetics (formerly Invitae), Labcorp
Classification: Pathogenic for Baller-Gerold syndrome. Last evaluated: 2021-04-07. Review status: criteria provided, single submitter. Criteria: Invitae Variant Classification Sherloc (09022015). Collection method: clinical testing. Allele origin: germline.
Comment: For these reasons, this variant has been classified as Pathogenic. This variant has not been reported in the literature in individuals with RECQL4-related conditions. This variant is not present in population databases (ExAC no frequency). This sequence change creates a premature translational stop signal (p.Tyr454Leufs*14) in the RECQL4 gene. It is expected to result in an absent or disrupted protein product. Loss-of-function variants in RECQL4 are known to be pathogenic (PMID: 12734318, 12952869).

Literature cited by the submitters: PubMed 12734318; PubMed 12952869.